The following is an entry in ClinVar:

NM_000094.4(COL7A1):c.5459C>G (p.Pro1820Arg)

Gene: COL7A1 (collagen type VII alpha 1 chain; minus strand). Cytogenetic location: 3p21.31.
Variant type: single nucleotide variant.
Coding change: c.5459C>G on transcript NM_000094.4 (MANE Select); coding-DNA position 5459, C replaced by G.
Protein change: p.Pro1820Arg; replaces proline 1820 with arginine.
Molecular consequence: missense variant.
Genome position (GRCh38, 1-based): chr3:48,578,481, G>C on the plus strand (C>G on the coding strand, the complement: COL7A1 is on the minus strand). VCF-style: chr3-48578481-G-C. GRCh37 (hg19) VCF-style: chr3-48615914-G-C.
Other names: p.Pro1820Arg; c.5459C>G (NM_000094.3); short protein forms P1820R.
Identifiers: ClinVar variation 809482 (VCV000809482.52), dbSNP rs143037856, ClinGen allele CA2379492.
Genomic context (GRCh38, chr3:48,578,481, plus strand): 5'-GAAAAGGGGGTAACATGAAAGTCTGGTCTCACCGGTAATCCAGGGGGACCAGAGGGGCCA[G>C]GGAGGCCCTGTTCTCCACGGAGGCCTGGAAGCCCCTGGAAAAAGTCTTTGTTAAGATTTA-3'
Protein context (NP_000085.1, residues 1810-1830): LPGLRGEQGL[Pro1820Arg]GPSGPPGLPG

ClinVar aggregate classification (germline): Conflicting classifications of pathogenicity. Review status: criteria provided, conflicting classifications (1 of 4 stars). 6 submissions from 6 submitters: Uncertain significance (4); Likely benign (1). 1 of the submissions does not count toward it. Last evaluated 2026-05-02.

Conditions:
Recessive dystrophic epidermolysis bullosa (RDEB). Also called: severe generalized recessive dystrophic epidermolysis bullosa; epidermolysis bullosa dystrophica, autosomal recessive; Hallopeau-Siemens Disease; Epidermolysis Bullosa Distrophica Autosomal Recessive (RDEB); DYSTROPHIC EPIDERMOLYSIS BULLOSA, AUTOSOMAL RECESSIVE; EPIDERMOLYSIS BULLOSA DYSTROPHICA, HALLOPEAU-SIEMENS TYPE. Identifiers: Orphanet 79408, Orphanet 79409, MedGen C0079474, MONDO:0009179, OMIM 226600.
Epidermolysis bullosa dystrophica inversa, autosomal recessive. Identifiers: MedGen C2673612.
COL7A1-related disorder. Also called: COL7A1- related disorders; COL7A1-related condition.

Allele frequency attached by ClinVar (database versions not stated): ESP Exome Variant Server 0.00008; gnomAD 0.00008 and 0.00010; gnomAD exomes 0.00014 and 0.00028; TOPMed 0.00020; ExAC 0.00021; 1000 Genomes Project 30x 0.00031; 1000 Genomes Project 0.00040.
gnomAD v4.1: 220 of 1,612,804 alleles (0.014%); highest among the groups gnomAD compares: Middle Eastern, 0.057%; no homozygotes.

Submissions (6):

PreventionGenetics, part of Exact Sciences
Classification: Uncertain significance for COL7A1-related condition. Last evaluated: 2026-05-02. Review status: criteria provided, single submitter. Criteria: ACMG Guidelines, 2015. Collection method: clinical testing. Allele origin: germline.
Comment: The COL7A1 c.5459C>G variant is predicted to result in the amino acid substitution p.Pro1820Arg. This variant has been reported in cis (on the same allele) with a likely pathogenic COL7A1 variant in the affected members of a family with autosomal dominant dystrophic epidermolysis bullosa (Family 4, Khan et al. 2021. PubMed ID: 33921969). This variant is reported in 0.059% of alleles in individuals of Latino descent in gnomAD, which is likely too frequent to be a primary cause of disease. Although we suspect that this variant may be benign, at this time, the clinical significance of this variant is uncertain due to the absence of conclusive functional and genetic evidence.

Labcorp Genetics (formerly Invitae), Labcorp
Classification: Likely benign. Last evaluated: 2026-01-27. Review status: criteria provided, single submitter. Criteria: Invitae Variant Classification Sherloc (09022015). Collection method: clinical testing. Allele origin: germline.

Mayo Clinic Laboratories, Mayo Clinic
Classification: Uncertain significance. Last evaluated: 2025-07-01. Review status: criteria provided, single submitter. Criteria: ACMG Guidelines, 2015. Collection method: clinical testing. Allele origin: germline. Observed: 1 variant allele.

Department of Pathology and Laboratory Medicine, Sinai Health System
Classification: Uncertain significance for recessive dystrophic epidermolysis bullosa. Last evaluated: 2023-01-25. Review status: criteria provided, single submitter. Criteria: ACMG Guidelines, 2015. Collection method: research. Allele origin: germline.

CeGaT Center for Human Genetics Tuebingen
Classification: Uncertain significance. Last evaluated: 2018-12-01. Review status: criteria provided, single submitter. Criteria: CeGaT Center For Human Genetics Tuebingen Variant Classification Criteria Version 2. Collection method: clinical testing. Allele origin: germline. Affected: yes. Observed: 1 variant allele.

Natera, Inc.
Classification: Uncertain significance for Autosomal recessive epidermolysis bullosa dystrophica inversa. Last evaluated: 2020-09-11. Review status: no assertion criteria provided. Collection method: clinical testing. Allele origin: germline. Not counted in ClinVar's aggregate classification.

Literature cited by the submitters: PubMed 33921969 (cited by Mayo Clinic Laboratories, Mayo Clinic).